The following is an entry in ClinVar:

NM_004385.5(VCAN):c.17A>T (p.Lys6Met)

Gene: VCAN (versican; plus strand). Cytogenetic location: 5q14.2.
Variant type: single nucleotide variant.
Coding change: c.17A>T on transcript NM_004385.5 (MANE Select); coding-DNA position 17, A replaced by T.
Protein change: p.Lys6Met; replaces lysine 6 with methionine.
Molecular consequence: missense variant.
Genome position (GRCh38, 1-based): chr5:83,483,535, A>T. VCF-style: chr5-83483535-A-T. GRCh37 (hg19) VCF-style: chr5-82779354-A-T.
Other names: c.17A>T, p.Lys6Met (NM_001126336.3, NM_001164097.2, NM_001164098.2); short protein forms K6M.
Identifiers: ClinVar variation 4702323 (VCV004702323.1).

ClinVar aggregate classification (germline): Uncertain significance (1 of 4 stars; one submission).

gnomAD v4.1: 25 of 1,613,334 alleles (0.0015%); highest among the groups gnomAD compares: Non-Finnish European, 0.0021%; no homozygotes.

Submission:

Labcorp Genetics (formerly Invitae), Labcorp
Classification: Uncertain significance. Last evaluated: 2025-04-14. Review status: criteria provided, single submitter. Criteria: Invitae Variant Classification Sherloc (09022015). Collection method: clinical testing. Allele origin: germline.
Comment: This sequence change replaces lysine, which is basic and polar, with methionine, which is neutral and non-polar, at codon 6 of the VCAN protein (p.Lys6Met). This variant is present in population databases (no rsID available, gnomAD 0.007%). This variant has not been reported in the literature in individuals affected with VCAN-related conditions. An algorithm developed to predict the effect of missense changes on protein structure and function (PolyPhen-2) suggests that this variant is likely to be disruptive. In summary, the available evidence is currently insufficient to determine the role of this variant in disease. Therefore, it has been classified as a Variant of Uncertain Significance.